The following is an entry in ClinVar:

ClinVar aggregate classification (germline): Uncertain significance (1 of 4 stars; one submission).

Conditions:
Familial intrahepatic cholestasis. Identifiers: Orphanet 284385, MedGen CN296401, MONDO:0017290.

Submission:

Genomenon, Inc
Classification: Uncertain significance for Familial intrahepatic cholestasis. Last evaluated: 2026-04-14. Review status: criteria provided, single submitter. Criteria: Genomenon Sequence Variant Interpretation Standards - Updated. Collection method: curation. Allele origin: germline. Affected: yes.
Comment: ABCB11 p.Val479Leu (c.1435G>C) is a missense variant that changes the amino acid at residue 479 from Valine to Leucine. This variant has been observed in at least one proband with an ABCB11-related disorder (PMID:32808743;32289814). The variant was found to segregate with disease in at least one affected family (PMID:32289814). It is absent or not present at a significant frequency in gnomAD. In silico models predict that this variant is possibly or probably damaging. In conclusion, we classify ABCB11 p.Val479Leu (c.1435G>C) as a variant of uncertain significance.

Literature cited by the submitters: PubMed 32808743; PubMed 32289814.

NM_003742.4(ABCB11):c.1435G>C (p.Val479Leu)

Gene: ABCB11 (ATP binding cassette subfamily B member 11; minus strand). Cytogenetic location: 2q31.1.
Variant type: single nucleotide variant.
Coding change: c.1435G>C on transcript NM_003742.4 (MANE Select); coding-DNA position 1435, G replaced by C.
Protein change: p.Val479Leu; replaces valine 479 with leucine.
Molecular consequence: missense variant.
Genome position (GRCh38, 1-based): chr2:168,972,050, C>G on the plus strand (G>C on the coding strand, the complement: ABCB11 is on the minus strand). VCF-style: chr2-168972050-C-G. GRCh37 (hg19) VCF-style: chr2-169828560-C-G.
Other names: short protein forms V479L.
Identifiers: ClinVar variation 4846206 (VCV004846206.1).
Genomic context (GRCh38, chr2:168,972,050, plus strand): 5'-CAATCTGATCTCTAAGCCACTGAATGTTAAGAGAGCGAATGTCATGGCCATCCACGGTCA[C>G]CTAGAGAGCATGGGCACAACATCACAACTTTTGGAATCTTTCAGGGTTCTGAATCATAAT-3'
Protein context (NP_003733.2, residues 469-489): QRFYDPCEGM[Val479Leu]TVDGHDIRSL